The following is an entry in ClinVar:

ClinVar aggregate classification (germline): Uncertain significance (1 of 4 stars; one submission).

Conditions:
Malignant hyperthermia, susceptibility to, 1 (MHS1). Also called: Anesthesia related hyperthermia; Malignant hyperpyrexia; Fulminating hyperpyrexia; Pharmacogenic myopathy; Malignant hyperthermia suceptibility 1; RYR1-Related Malignant Hyperthermia Susceptibility. Identifiers: Orphanet 423, MedGen C2930980, MONDO:0007783, OMIM 145600.

Submission:

All of Us Research Program, National Institutes of Health
Classification: Uncertain significance for Malignant hyperthermia, susceptibility to, 1. Last evaluated: 2024-04-25. Review status: criteria provided, single submitter. Criteria: ACMG Guidelines, 2015. Collection method: clinical testing. Allele origin: germline. Inheritance: Autosomal dominant inheritance. Observed: 1 variant allele, 1 heterozygote.
Comment: This missense variant replaces serine with arginine at codon 3347 of the RYR1 protein. Computational prediction is inconclusive regarding the impact of this variant on protein structure and function (internally defined REVEL score threshold 0.5 < inconclusive < 0.7, PMID: 27666373). To our knowledge, functional studies have not been reported for this variant. This variant has not been reported in individuals affected with RYR1-related disorders in the literature. This variant has not been identified in the general population by the Genome Aggregation Database (gnomAD). The available evidence is insufficient to determine the role of this variant in disease conclusively. Therefore, this variant is classified as a Variant of Uncertain Significance.

This study involves interpretation of variants in research participants for the purpose of population health screening. Participant phenotype was not available at the time of variant classification. Additional details can be found in publication PMID: 35346344, PMCID: PMC8962531

NM_000540.3(RYR1):c.10041C>A (p.Ser3347Arg)

Gene: RYR1 (ryanodine receptor 1; plus strand). Cytogenetic location: 19q13.2.
Variant type: single nucleotide variant.
Coding change: c.10041C>A on transcript NM_000540.3 (MANE Select); coding-DNA position 10041, C replaced by A.
Protein change: p.Ser3347Arg; replaces serine 3347 with arginine.
Molecular consequence: missense variant.
Genome position (GRCh38, 1-based): chr19:38,519,236, C>A. VCF-style: chr19-38519236-C-A. GRCh37 (hg19) VCF-style: chr19-39009876-C-A.
Other names: c.10041C>A, p.Ser3347Arg (NM_001042723.2); short protein forms S3347R.
Identifiers: ClinVar variation 3385521 (VCV003385521.1).